The following is an entry in ClinVar:

ClinVar aggregate classification (germline): Uncertain significance (1 of 4 stars; one submission).

Allele frequency attached by ClinVar (database versions not stated): gnomAD exomes below 0.00001.
gnomAD v4.1: 2 of 1,587,176 alleles (0.00013%); highest among the groups gnomAD compares: Non-Finnish European, 0.00017%; no homozygotes.

Submission:

Labcorp Genetics (formerly Invitae), Labcorp
Classification: Uncertain significance. Last evaluated: 2024-01-15. Review status: criteria provided, single submitter. Criteria: Invitae Variant Classification Sherloc (09022015). Collection method: clinical testing. Allele origin: germline.
Comment: This sequence change replaces proline, which is neutral and non-polar, with serine, which is neutral and polar, at codon 17 of the ERCC6L2 protein (p.Pro17Ser). This variant is not present in population databases (gnomAD no frequency). This variant has not been reported in the literature in individuals affected with ERCC6L2-related conditions. ClinVar contains an entry for this variant (Variation ID: 1912791). Experimental studies and prediction algorithms are not available or were not evaluated, and the functional significance of this variant is currently unknown. In summary, the available evidence is currently insufficient to determine the role of this variant in disease. Therefore, it has been classified as a Variant of Uncertain Significance.

NM_020207.7(ERCC6L2):c.16C>T (p.Pro6Ser)

Gene: ERCC6L2 (ERCC excision repair 6 like 2; plus strand). Cytogenetic location: 9q22.32.
Variant type: single nucleotide variant.
Coding change: c.16C>T on transcript NM_020207.7 (MANE Select); coding-DNA position 16, C replaced by T.
Protein change: p.Pro6Ser; replaces proline 6 with serine.
Molecular consequence: missense variant. On other transcripts: non-coding transcript variant (1).
Genome position (GRCh38, 1-based): chr9:95,876,054, C>T. VCF-style: chr9-95876054-C-T. GRCh37 (hg19) VCF-style: chr9-98638336-C-T.
Other names: c.16C>T, p.Pro6Ser (NM_001010895.4, NM_001375291.1, NM_001375292.1 and 2 more transcripts); short protein forms P6S.
Identifiers: ClinVar variation 1912791 (VCV001912791.5), dbSNP rs2490144188, ClinGen allele CA374115426.